The following is an entry in ClinVar:

ClinVar aggregate classification (germline): Uncertain significance (1 of 4 stars; one submission).

Conditions:
Inborn genetic diseases. Identifiers: MedGen C0950123, MeSH D030342.

Submission:

Ambry Genetics
Classification: Uncertain significance for Inborn genetic diseases. Last evaluated: 2025-07-16. Review status: criteria provided, single submitter. Criteria: Ambry Variant Classification Scheme 2023. Collection method: clinical testing. Allele origin: germline.
Comment: The p.Q335K variant (also known as c.1003C>A), located in coding exon 1 of the SAMD9 gene, results from a C to A substitution at nucleotide position 1003. The glutamine at codon 335 is replaced by lysine, an amino acid with similar properties. This amino acid position is conserved. In addition, this alteration is predicted to be tolerated by in silico analysis. Based on the available evidence, the clinical significance of this variant remains unclear.

NM_017654.4(SAMD9):c.1003C>A (p.Gln335Lys)

Gene: SAMD9 (sterile alpha motif domain containing 9; minus strand). Cytogenetic location: 7q21.2.
Variant type: single nucleotide variant.
Coding change: c.1003C>A on transcript NM_017654.4 (MANE Select); coding-DNA position 1003, C replaced by A.
Protein change: p.Gln335Lys; replaces glutamine 335 with lysine.
Molecular consequence: missense variant.
Genome position (GRCh38, 1-based): chr7:93,105,095, G>T on the plus strand (C>A on the coding strand, the complement: SAMD9 is on the minus strand). VCF-style: chr7-93105095-G-T. GRCh37 (hg19) VCF-style: chr7-92734408-G-T.
Other names: c.1003C>A, p.Gln335Lys (NM_001193307.2); short protein forms Q335K.
Identifiers: ClinVar variation 4159085 (VCV004159085.1).